The following is an entry in ClinVar:

ClinVar aggregate classification (germline): Uncertain significance (1 of 4 stars; one submission).

Conditions:
Developmental and epileptic encephalopathy, 12 (DEE12). Identifiers: MedGen C3150988, MONDO:0013389, OMIM 613722.

Allele frequency attached by ClinVar (database versions not stated): gnomAD 0.00002; TOPMed 0.00002.
gnomAD v4.1: 7 of 1,611,796 alleles (0.00043%); highest among the groups gnomAD compares: African/African-American, 0.0027%; no homozygotes.

Submission:

Labcorp Genetics (formerly Invitae), Labcorp
Classification: Uncertain significance for Developmental and epileptic encephalopathy, 12. Last evaluated: 2022-04-13. Review status: criteria provided, single submitter. Criteria: Invitae Variant Classification Sherloc (09022015). Collection method: clinical testing. Allele origin: germline.
Comment: This sequence change replaces alanine, which is neutral and non-polar, with valine, which is neutral and non-polar, at codon 396 of the PLCB1 protein (p.Ala396Val). This variant is present in population databases (no rsID available, gnomAD 0.01%). This variant has not been reported in the literature in individuals affected with PLCB1-related conditions. Algorithms developed to predict the effect of missense changes on protein structure and function are either unavailable or do not agree on the potential impact of this missense change (SIFT: "Deleterious"; PolyPhen-2: "Benign"; Align-GVGD: "Class C0"). In summary, the available evidence is currently insufficient to determine the role of this variant in disease. Therefore, it has been classified as a Variant of Uncertain Significance.

NM_015192.4(PLCB1):c.1187C>T (p.Ala396Val)

Gene: PLCB1 (phospholipase C beta 1; plus strand). Cytogenetic location: 20p12.3.
Variant type: single nucleotide variant.
Coding change: c.1187C>T on transcript NM_015192.4 (MANE Select); coding-DNA position 1187, C replaced by T.
Protein change: p.Ala396Val; replaces alanine 396 with valine.
Molecular consequence: missense variant.
Genome position (GRCh38, 1-based): chr20:8,708,689, C>T. VCF-style: chr20-8708689-C-T. GRCh37 (hg19) VCF-style: chr20-8689336-C-T.
Other names: c.1187C>T, p.Ala396Val (NM_182734.3); short protein forms A396V.
Identifiers: ClinVar variation 1930494 (VCV001930494.2), dbSNP rs1362519682, ClinGen allele CA408198541.